The following is an entry in ClinVar:

NM_001190274.2(FBXO11):c.976A>G (p.Arg326Gly)

Gene: FBXO11 (F-box protein 11; minus strand). Cytogenetic location: 2p16.3.
Variant type: single nucleotide variant.
Coding change: c.976A>G on transcript NM_001190274.2 (MANE Select); coding-DNA position 976, A replaced by G.
Protein change: p.Arg326Gly; replaces arginine 326 with glycine.
Molecular consequence: missense variant.
Genome position (GRCh38, 1-based): chr2:47,833,029, T>C on the plus strand (A>G on the coding strand, the complement: FBXO11 is on the minus strand). VCF-style: chr2-47833029-T-C. GRCh37 (hg19) VCF-style: chr2-48060168-T-C.
Other names: c.724A>G, p.Arg242Gly (NM_001374325.1, NM_025133.4); short protein forms R242G, R326G.
Identifiers: ClinVar variation 4734685 (VCV004734685.1).

ClinVar aggregate classification (germline): Uncertain significance (1 of 4 stars; one submission).

Submission:

Labcorp Genetics (formerly Invitae), Labcorp
Classification: Uncertain significance. Last evaluated: 2026-01-04. Review status: criteria provided, single submitter. Criteria: Invitae Variant Classification Sherloc (09022015). Collection method: clinical testing. Allele origin: germline.
Comment: This sequence change replaces arginine, which is basic and polar, with glycine, which is neutral and non-polar, at codon 326 of the FBXO11 protein (p.Arg326Gly). This variant is not present in population databases (gnomAD no frequency). This variant has not been reported in the literature in individuals affected with FBXO11-related conditions. An algorithm developed to predict the effect of missense changes on protein structure and function (PolyPhen-2) suggests that this variant is likely to be tolerated. In summary, the available evidence is currently insufficient to determine the role of this variant in disease. Therefore, it has been classified as a Variant of Uncertain Significance.